The following is an entry in ClinVar:

ClinVar aggregate classification (germline): Uncertain significance (1 of 4 stars; one submission).

Allele frequency attached by ClinVar (database versions not stated): ExAC 0.00002; gnomAD 0.00003; TOPMed 0.00003; gnomAD exomes 0.00004.
gnomAD v4.1: 55 of 1,614,074 alleles (0.0034%); highest among the groups gnomAD compares: East Asian, 0.022%; no homozygotes.

Submission:

Labcorp Genetics (formerly Invitae), Labcorp
Classification: Uncertain significance. Last evaluated: 2022-05-13. Review status: criteria provided, single submitter. Criteria: Invitae Variant Classification Sherloc (09022015). Collection method: clinical testing. Allele origin: germline.
Comment: This sequence change replaces arginine, which is basic and polar, with glutamine, which is neutral and polar, at codon 128 of the C10orf11 protein (p.Arg128Gln). This variant is present in population databases (rs761929039, gnomAD 0.04%). This variant has not been reported in the literature in individuals affected with C10orf11-related conditions. Algorithms developed to predict the effect of missense changes on protein structure and function are either unavailable or do not agree on the potential impact of this missense change (SIFT: "Tolerated"; PolyPhen-2: "Possibly Damaging"; Align-GVGD: "Class C0"). In summary, the available evidence is currently insufficient to determine the role of this variant in disease. Therefore, it has been classified as a Variant of Uncertain Significance.

NM_001305581.2(LRMDA):c.467G>A (p.Arg156Gln)

Gene: LRMDA (leucine rich melanocyte differentiation associated; plus strand). Cytogenetic location: 10q22.3.
Variant type: single nucleotide variant.
Coding change: c.467G>A on transcript NM_001305581.2 (MANE Select); coding-DNA position 467, G replaced by A.
Protein change: p.Arg156Gln; replaces arginine 156 with glutamine.
Molecular consequence: missense variant. On other transcripts: non-coding transcript variant (1).
Genome position (GRCh38, 1-based): chr10:76,058,734, G>A. VCF-style: chr10-76058734-G-A. GRCh37 (hg19) VCF-style: chr10-77818492-G-A.
Other names: c.383G>A, p.Arg128Gln (NM_032024.5); short protein forms R128Q, R156Q.
Identifiers: ClinVar variation 1681432 (VCV001681432.3), dbSNP rs761929039, ClinGen allele CA5567626.